The following is an entry in ClinVar:

ClinVar aggregate classification (germline): Likely pathogenic. Review status: criteria provided, multiple submitters, no conflicts (2 of 4 stars). 2 submissions from 2 submitters: Likely pathogenic (2). Last evaluated 2025-03-08.

Conditions:
Xanthinuria type II. Also called: Xanthine dehydrogenase and aldehyde oxidase combined deficiency of; XDH and AOX dual deficiency. Identifiers: Orphanet 3467, Orphanet 93602, MedGen C1863688, MONDO:0011346, OMIM 603592.
Hereditary xanthinuria type 1 (XAN1). Identifiers: Orphanet 3467, Orphanet 93601, MedGen C0268118, MONDO:0010209, OMIM 278300.

Allele frequency attached by ClinVar (database versions not stated): TOPMed below 0.00001; gnomAD exomes 0.00001.
gnomAD v4.1: 3 of 1,577,182 alleles (0.00019%); highest among the groups gnomAD compares: South Asian, 0.0023%; no homozygotes.

Submissions (2):

Labcorp Genetics (formerly Invitae), Labcorp
Classification: Likely pathogenic for Xanthinuria type II. Last evaluated: 2025-03-08. Review status: criteria provided, single submitter. Criteria: Invitae Variant Classification Sherloc (09022015). Collection method: clinical testing. Allele origin: germline.
Comment: This sequence change affects an acceptor splice site in intron 7 of the XDH gene. It is expected to disrupt RNA splicing. Variants that disrupt the donor or acceptor splice site typically lead to a loss of protein function (PMID: 16199547), and loss-of-function variants in XDH are known to be pathogenic (PMID: 9153281). This variant is not present in population databases (gnomAD no frequency). This variant has not been reported in the literature in individuals affected with XDH-related conditions. ClinVar contains an entry for this variant (Variation ID: 2145159). Algorithms developed to predict the effect of sequence changes on RNA splicing suggest that this variant may disrupt the consensus splice site. In summary, the currently available evidence indicates that the variant is pathogenic, but additional data are needed to prove that conclusively. Therefore, this variant has been classified as Likely Pathogenic.

Fulgent Genetics
Classification: Likely pathogenic for Hereditary xanthinuria type 1. Last evaluated: 2024-03-05. Review status: criteria provided, single submitter. Criteria: ACMG Guidelines, 2015. Collection method: clinical testing. Allele origin: germline.

Literature cited by the submitters: PubMed 16199547 (cited by Labcorp Genetics (formerly Invitae), Labcorp); PubMed 9153281 (cited by Labcorp Genetics (formerly Invitae), Labcorp).

NM_000379.4(XDH):c.565-1G>A

Gene: XDH (xanthine dehydrogenase; minus strand). Cytogenetic location: 2p23.1.
Variant type: single nucleotide variant.
Coding change: c.565-1G>A on transcript NM_000379.4 (MANE Select); the canonical splice acceptor site of the intron before coding-DNA position 565, G replaced by A.
Molecular consequence: splice acceptor variant.
Genome position (GRCh38, 1-based): chr2:31,387,898, C>T on the plus strand (G>A on the coding strand, the complement: XDH is on the minus strand). VCF-style: chr2-31387898-C-T. GRCh37 (hg19) VCF-style: chr2-31610764-C-T.
Identifiers: ClinVar variation 2145159 (VCV002145159.5), dbSNP rs1021978271, ClinGen allele CA44728770.